The following is an entry in ClinVar:

ClinVar aggregate classification (germline): Uncertain significance. Review status: criteria provided, multiple submitters, no conflicts (2 of 4 stars). 2 submissions from 2 submitters: Uncertain significance (2). Last evaluated 2025-07-12.

Conditions:
Hereditary cancer-predisposing syndrome. Also called: Neoplastic Syndromes, Hereditary; Hereditary Cancer Syndrome; Hereditary neoplastic syndrome; Tumor predisposition. Identifiers: Orphanet 140162, MedGen C0027672, MeSH D009386, MONDO:0015356.
Microcephaly, normal intelligence and immunodeficiency (NBS). Also called: SEEMANOVA SYNDROME II; IMMUNODEFICIENCY, MICROCEPHALY, AND CHROMOSOMAL INSTABILITY; Immunodeficiency, microcephaly with normal intelligence; Nijmegen breakage syndrome; Microcephaly with normal intelligence immunodeficiency and lymphoreticular malignancies; Nonsyndromal microcephaly autosomal recessive with normal intelligence. Identifiers: Orphanet 647, MedGen C0398791, MONDO:0009623, OMIM 251260.

Submissions (2):

Ambry Genetics
Classification: Uncertain significance for Hereditary cancer-predisposing syndrome. Last evaluated: 2025-07-12. Review status: criteria provided, single submitter. Criteria: Ambry Variant Classification Scheme 2023. Collection method: clinical testing. Allele origin: germline.
Comment: The p.Q565R variant (also known as c.1694A>G), located in coding exon 11 of the NBN gene, results from an A to G substitution at nucleotide position 1694. The glutamine at codon 565 is replaced by arginine, an amino acid with highly similar properties. This amino acid position is conserved. In addition, this alteration is predicted to be tolerated by in silico analysis. Based on the available evidence, the clinical significance of this variant remains unclear.

Labcorp Genetics (formerly Invitae), Labcorp
Classification: Uncertain significance for Microcephaly, normal intelligence and immunodeficiency. Last evaluated: 2024-10-16. Review status: criteria provided, single submitter. Criteria: Invitae Variant Classification Sherloc (09022015). Collection method: clinical testing. Allele origin: germline.
Comment: This sequence change replaces glutamine, which is neutral and polar, with arginine, which is basic and polar, at codon 565 of the NBN protein (p.Gln565Arg). This variant is not present in population databases (gnomAD no frequency). This variant has not been reported in the literature in individuals affected with NBN-related conditions. An algorithm developed to predict the effect of missense changes on protein structure and function (PolyPhen-2) suggests that this variant is likely to be tolerated. In summary, the available evidence is currently insufficient to determine the role of this variant in disease. Therefore, it has been classified as a Variant of Uncertain Significance.

NM_002485.5(NBN):c.1694A>G (p.Gln565Arg)

Gene: NBN (nibrin; minus strand). Cytogenetic location: 8q21.3.
Variant type: single nucleotide variant.
Coding change: c.1694A>G on transcript NM_002485.5 (MANE Select); coding-DNA position 1694, A replaced by G.
Protein change: p.Gln565Arg; replaces glutamine 565 with arginine.
Molecular consequence: missense variant.
Genome position (GRCh38, 1-based): chr8:89,953,395, T>C on the plus strand (A>G on the coding strand, the complement: NBN is on the minus strand). VCF-style: chr8-89953395-T-C. GRCh37 (hg19) VCF-style: chr8-90965623-T-C.
Other names: c.1448A>G, p.Gln483Arg (NM_001024688.3); short protein forms Q483R, Q565R.
Identifiers: ClinVar variation 3723016 (VCV003723016.3).